The following is an entry in ClinVar:

NM_004408.4(DNM1):c.2387G>A (p.Arg796Gln)

Genes: DNM1 (dynamin 1; plus strand), LOC130002698 (ATAC-STARR-seq lymphoblastoid silent region 20332; plus strand). Cytogenetic location: 9q34.11.
Variant type: single nucleotide variant.
Coding change: c.2387G>A on transcript NM_004408.4 (MANE Select); coding-DNA position 2387, G replaced by A.
Protein change: p.Arg796Gln; replaces arginine 796 with glutamine.
Molecular consequence: missense variant.
Genome position (GRCh38, 1-based): chr9:128,250,793, G>A. VCF-style: chr9-128250793-G-A. GRCh37 (hg19) VCF-style: chr9-131013072-G-A.
Other names: c.2387G>A, p.Arg796Gln (NM_001005336.3, NM_001288737.2, NM_001288738.2 and 2 more transcripts); short protein forms R796Q.
Identifiers: ClinVar variation 2501489 (VCV002501489.1), dbSNP rs2539127827, ClinGen allele CA375001611.

ClinVar aggregate classification (germline): Uncertain significance (1 of 4 stars; one submission).

Submission:

GeneDx
Classification: Uncertain significance. Last evaluated: 2022-11-04. Review status: criteria provided, single submitter. Criteria: GeneDx Variant Classification Process June 2021. Collection method: clinical testing. Allele origin: germline. Affected: yes.
Comment: Not observed at significant frequency in large population cohorts (gnomAD); In silico analysis supports that this missense variant does not alter protein structure/function; Has not been previously published as pathogenic or benign to our knowledge